The following is an entry in ClinVar:

NM_000214.3(JAG1):c.2342A>G (p.Gln781Arg)

Gene: JAG1 (jagged canonical Notch ligand 1; minus strand). Cytogenetic location: 20p12.2.
Variant type: single nucleotide variant.
Coding change: c.2342A>G on transcript NM_000214.3 (MANE Select); coding-DNA position 2342, A replaced by G.
Protein change: p.Gln781Arg; replaces glutamine 781 with arginine.
Molecular consequence: missense variant.
Genome position (GRCh38, 1-based): chr20:10,644,865, T>C on the plus strand (A>G on the coding strand, the complement: JAG1 is on the minus strand). VCF-style: chr20-10644865-T-C. GRCh37 (hg19) VCF-style: chr20-10625513-T-C.
Other names: c.2342A>G (NM_000214.2); short protein forms Q781R.
Identifiers: ClinVar variation 1037888 (VCV001037888.10), dbSNP rs2067296582, ClinGen allele CA408234839.
Genomic context (GRCh38, chr20:10,644,865, plus strand): 5'-AGGGTGTCAGGATCTGCTCCGACAGCCCTGGGAGAGTTCAAGGGGGGAGGACACTCACTC[T>C]GAGCACAGATGGGCCCCTCCCAGCCTTCCTTGCAGACGCACGTAAAGGACTCGCCGTTGA-3'
Protein context (NP_000205.1, residues 771-791): KEGWEGPICA[Gln781Arg]NTNDCSPHPC

ClinVar aggregate classification (germline): Uncertain significance. Review status: criteria provided, multiple submitters, no conflicts (2 of 4 stars). 2 submissions from 2 submitters: Uncertain significance (2). Last evaluated 2025-03-22.

Conditions:
Cardiovascular phenotype. Identifiers: MedGen CN230736.
Alagille syndrome due to a JAG1 point mutation. Also called: Alagille Syndrome 1; HEPATIC DUCTULAR HYPOPLASIA, SYNDROMATIC; JAG1-Related Alagille Syndrome. Identifiers: Orphanet 261619, Orphanet 52, MedGen C1956125, MONDO:0016862, OMIM 118450.

Allele frequency attached by ClinVar (database versions not stated): gnomAD 0.00001; TOPMed 0.00001.
gnomAD v4.1: 3 of 1,611,342 alleles (0.00019%); highest among the groups gnomAD compares: Admixed American, 0.0017%; no homozygotes.

Submissions (2):

Labcorp Genetics (formerly Invitae), Labcorp
Classification: Uncertain significance for Alagille syndrome due to a JAG1 point mutation. Last evaluated: 2025-03-22. Review status: criteria provided, single submitter. Criteria: Invitae Variant Classification Sherloc (09022015). Collection method: clinical testing. Allele origin: germline.
Comment: This sequence change replaces glutamine, which is neutral and polar, with arginine, which is basic and polar, at codon 781 of the JAG1 protein (p.Gln781Arg). This variant is not present in population databases (gnomAD no frequency). This variant has not been reported in the literature in individuals affected with JAG1-related conditions. ClinVar contains an entry for this variant (Variation ID: 1037888). An algorithm developed to predict the effect of missense changes on protein structure and function (PolyPhen-2) suggests that this variant is likely to be tolerated. In summary, the available evidence is currently insufficient to determine the role of this variant in disease. Therefore, it has been classified as a Variant of Uncertain Significance.

Ambry Genetics
Classification: Uncertain significance for Cardiovascular phenotype. Last evaluated: 2024-12-28. Review status: criteria provided, single submitter. Criteria: Ambry Variant Classification Scheme 2023. Collection method: clinical testing. Allele origin: germline.